The following is an entry in ClinVar:

ClinVar aggregate classification (germline): Benign. Review status: criteria provided, multiple submitters, no conflicts (2 of 4 stars). 2 submissions from 2 submitters: Benign (2). Last evaluated 2018-06-20.

Allele frequency attached by ClinVar (database versions not stated): gnomAD 0.54922 and 0.55001; TOPMed 0.56344; 1000 Genomes Project 0.60863; 1000 Genomes Project 30x 0.61508.
gnomAD v4.1: 492,117 of 995,660 alleles (49%); highest among the groups gnomAD compares: African/African-American, 73%; 124,700 homozygotes.

Submissions (2):

GeneDx
Classification: Benign. Last evaluated: 2018-06-20. Review status: criteria provided, single submitter. Criteria: GeneDx Variant Classification (06012015). Collection method: clinical testing. Allele origin: germline. Affected: yes.
Comment: This variant is considered likely benign or benign based on one or more of the following criteria: it is a conservative change, it occurs at a poorly conserved position in the protein, it is predicted to be benign by multiple in silico algorithms, and/or has population frequency not consistent with disease.

Breakthrough Genomics
Classification: Benign. Review status: criteria provided, single submitter. Criteria: ACMG Guidelines, 2015. Collection method: not provided. Allele origin: germline. Inheritance: Autosomal recessive inheritance. Affected: yes.

NM_006231.4(POLE):c.5679-127G>A

Gene: POLE (DNA polymerase epsilon, catalytic subunit; minus strand). Cytogenetic location: 12q24.33.
Variant type: single nucleotide variant.
Coding change: c.5679-127G>A on transcript NM_006231.4 (MANE Select); 127 bases into the intron before coding-DNA position 5679, G replaced by A.
Molecular consequence: intron variant.
Genome position (GRCh38, 1-based): chr12:132,636,151, C>T on the plus strand (G>A on the coding strand, the complement: POLE is on the minus strand). VCF-style: chr12-132636151-C-T. GRCh37 (hg19) VCF-style: chr12-133212737-C-T.
Identifiers: ClinVar variation 676507 (VCV000676507.2), dbSNP rs4883624, ClinGen allele CA13680111.